The following is an entry in ClinVar:

NM_000199.5(SGSH):c.1241_1244dup (p.Thr416fs)

Gene: SGSH (N-sulfoglucosamine sulfohydrolase; minus strand). Cytogenetic location: 17q25.3.
Variant type: Duplication.
Coding change: c.1241_1244dup on transcript NM_000199.5 (MANE Select); coding-DNA positions 1241 to 1244, 4 bases duplicated (GCAC; older notation c.1241_1244dupGCAC).
Protein change: p.Thr416fs; shifts the reading frame from threonine 416.
Molecular consequence: frameshift variant. On other transcripts: 3 prime UTR variant (2), non-coding transcript variant (1).
Genome position (GRCh38, 1-based): chr17:80,210,717-80,210,720, GTGC duplicated on the plus strand (GCAC on the coding strand, the reverse complement: SGSH is on the minus strand); duplicating any 4 consecutive bases within chr17:80,210,717-80,210,721 gives the same sequence; the c. name uses the placement nearest the transcript's 3' end. VCF-style (leftmost placement, unchanged base first): chr17-80210716-G-GGTGC. GRCh37 (hg19) VCF-style: chr17-78184515-G-GGTGC.
Other names: c.*328_*331dup (NM_001352921.3); c.*291_*294dup (NM_001352922.2); short protein forms T416fs.
Identifiers: ClinVar variation 551410 (VCV000551410.6), dbSNP rs1412408576, ClinGen allele CA658824973.

ClinVar aggregate classification (germline): Conflicting classifications of pathogenicity. Review status: criteria provided, conflicting classifications (1 of 4 stars). 3 submissions from 3 submitters: Pathogenic (1); Uncertain significance (1). 1 of the submissions does not count toward it. Last evaluated 2024-10-21.

Conditions:
Mucopolysaccharidosis, MPS-III-A (MPS3A). Also called: SANFILIPPO SYNDROME A; SULFAMIDASE DEFICIENCY; MPS III A; MUCOPOLYSACCHARIDOSIS, TYPE IIIA, ATTENUATED; Mucopolysaccharidosis type IIIA (Sanfilippo A); MPS IIIA (Sanfilippo Syndrome Type A). Identifiers: Orphanet 581, Orphanet 79269, MedGen C0086647, MONDO:0009655, OMIM 252900.

Submissions (3):

Labcorp Genetics (formerly Invitae), Labcorp
Classification: Pathogenic for Mucopolysaccharidosis, MPS-III-A. Last evaluated: 2024-10-21. Review status: criteria provided, single submitter. Criteria: Invitae Variant Classification Sherloc (09022015). Collection method: clinical testing. Allele origin: germline.
Comment: This sequence change creates a premature translational stop signal (p.Thr416Hisfs*87) in the SGSH gene. While this is not anticipated to result in nonsense mediated decay, it is expected to disrupt the last 87 amino acid(s) of the SGSH protein. This variant is not present in population databases (gnomAD no frequency). This variant has not been reported in the literature in individuals affected with SGSH-related conditions. ClinVar contains an entry for this variant (Variation ID: 551410). This variant disrupts a region of the SGSH protein in which other variant(s) (p.Glu447Lys) have been determined to be pathogenic (PMID: 9158154, 19099774, 26787381; internal data). This suggests that this is a clinically significant region of the protein, and that variants that disrupt it are likely to be disease-causing. For these reasons, this variant has been classified as Pathogenic.

Genome-Nilou Lab
Classification: Uncertain significance for Mucopolysaccharidosis, MPS-III-A. Last evaluated: 2021-11-07. Review status: criteria provided, single submitter. Criteria: ACMG Guidelines, 2015. Collection method: clinical testing. Allele origin: germline. Affected: no.

Counsyl
Classification: Uncertain significance for Mucopolysaccharidosis, MPS-III-A. Last evaluated: 2017-04-26. Review status: no assertion criteria provided. Collection method: clinical testing. Allele origin: unknown. Not counted in ClinVar's aggregate classification.

Literature cited by the submitters: PubMed 9158154 (cited by Labcorp Genetics (formerly Invitae), Labcorp); PubMed 19099774 (cited by Labcorp Genetics (formerly Invitae), Labcorp); PubMed 26787381 (cited by Labcorp Genetics (formerly Invitae), Labcorp).